The following is an entry in ClinVar:

ClinVar aggregate classification (germline): Uncertain significance. Review status: criteria provided, multiple submitters, no conflicts (2 of 4 stars). 2 submissions from 2 submitters: Uncertain significance (2). Last evaluated 2024-11-22.

Conditions:
Inborn genetic diseases. Identifiers: MedGen C0950123, MeSH D030342.

Submissions (2):

Ambry Genetics
Classification: Uncertain significance for Inborn genetic diseases. Last evaluated: 2024-11-22. Review status: criteria provided, single submitter. Criteria: Ambry Variant Classification Scheme 2023. Collection method: clinical testing. Allele origin: germline.
Comment: The p.L1449V variant (also known as c.4345C>G), located in coding exon 13 of the ASXL1 gene, results from a C to G substitution at nucleotide position 4345. The leucine at codon 1449 is replaced by valine, an amino acid with highly similar properties. This amino acid position is conserved. In addition, this alteration is predicted to be tolerated by in silico analysis. Based on the available evidence, the clinical significance of this variant remains unclear.

Labcorp Genetics (formerly Invitae), Labcorp
Classification: Uncertain significance. Last evaluated: 2019-07-11. Review status: criteria provided, single submitter. Criteria: Invitae Variant Classification Sherloc (09022015). Collection method: clinical testing. Allele origin: germline.
Comment: This sequence change replaces leucine with valine at codon 1449 of the ASXL1 protein (p.Leu1449Val). The leucine residue is moderately conserved and there is a small physicochemical difference between leucine and valine. In summary, the available evidence is currently insufficient to determine the role of this variant in disease. Therefore, it has been classified as a Variant of Uncertain Significance. Algorithms developed to predict the effect of sequence changes on RNA splicing suggest that this variant may create or strengthen a splice site, but this prediction has not been confirmed by published transcriptional studies. Algorithms developed to predict the effect of missense changes on protein structure and function are either unavailable or do not agree on the potential impact of this missense change (SIFT: "Deleterious"; PolyPhen-2: "Probably Damaging"; Align-GVGD: "Class C0"). This variant has not been reported in the literature in individuals with ASXL1-related conditions. This variant is not present in population databases (ExAC no frequency).

NM_015338.6(ASXL1):c.4345C>G (p.Leu1449Val)

Gene: ASXL1 (ASXL transcriptional regulator 1; plus strand). Cytogenetic location: 20q11.21.
Variant type: single nucleotide variant.
Coding change: c.4345C>G on transcript NM_015338.6 (MANE Select); coding-DNA position 4345, C replaced by G.
Protein change: p.Leu1449Val; replaces leucine 1449 with valine.
Molecular consequence: missense variant.
Genome position (GRCh38, 1-based): chr20:32,437,057, C>G. VCF-style: chr20-32437057-C-G. GRCh37 (hg19) VCF-style: chr20-31024860-C-G.
Other names: c.4162C>G, p.Leu1388Val (NM_001363734.1); short protein forms L1388V, L1449V.
Identifiers: ClinVar variation 943559 (VCV000943559.10), dbSNP rs1001550044, ClinGen allele CA313926388.